The following is an entry in ClinVar:

ClinVar aggregate classification (germline): Uncertain significance (1 of 4 stars; one submission).

Conditions:
Primary ciliary dyskinesia. Also called: Ciliary dyskinesia. Identifiers: Orphanet 244, MedGen C0008780, MONDO:0016575, HP:0012265.

Allele frequency attached by ClinVar (database versions not stated): gnomAD exomes 0.00001; TOPMed 0.00002.
gnomAD v4.1: 10 of 1,614,076 alleles (0.00062%); highest among the groups gnomAD compares: Admixed American, 0.0067%; no homozygotes.

Submission:

Labcorp Genetics (formerly Invitae), Labcorp
Classification: Uncertain significance for Primary ciliary dyskinesia. Last evaluated: 2022-06-20. Review status: criteria provided, single submitter. Criteria: Invitae Variant Classification Sherloc (09022015). Collection method: clinical testing. Allele origin: germline.
Comment: This sequence change replaces aspartic acid, which is acidic and polar, with tyrosine, which is neutral and polar, at codon 333 of the CCDC114 protein (p.Asp333Tyr). This variant is present in population databases (no rsID available, gnomAD 0.009%). This variant has not been reported in the literature in individuals affected with CCDC114-related conditions. Algorithms developed to predict the effect of missense changes on protein structure and function are either unavailable or do not agree on the potential impact of this missense change (SIFT: "Tolerated"; PolyPhen-2: "Possibly Damaging"; Align-GVGD: "Class C0"). Algorithms developed to predict the effect of sequence changes on RNA splicing suggest that this variant may create or strengthen a splice site. In summary, the available evidence is currently insufficient to determine the role of this variant in disease. Therefore, it has been classified as a Variant of Uncertain Significance.

NM_001364171.2(ODAD1):c.1108G>T (p.Asp370Tyr)

Gene: ODAD1 (outer dynein arm docking complex subunit 1; minus strand). Cytogenetic location: 19q13.33.
Variant type: single nucleotide variant.
Coding change: c.1108G>T on transcript NM_001364171.2 (MANE Select); coding-DNA position 1108, G replaced by T.
Protein change: p.Asp370Tyr; replaces aspartic acid 370 with tyrosine.
Molecular consequence: missense variant.
Genome position (GRCh38, 1-based): chr19:48,302,826, C>A on the plus strand (G>T on the coding strand, the complement: ODAD1 is on the minus strand). VCF-style: chr19-48302826-C-A. GRCh37 (hg19) VCF-style: chr19-48806083-C-A.
Other names: c.997G>T, p.Asp333Tyr (NM_144577.4); short protein forms D333Y, D370Y.
Identifiers: ClinVar variation 1682875 (VCV001682875.3), dbSNP rs900428958, ClinGen allele CA309299658.